The following is an entry in ClinVar:

NM_001029896.2(WDR45):c.930C>T (p.Cys310=)

Gene: WDR45 (WD repeat domain 45; minus strand). Cytogenetic location: Xp11.23.
Variant type: single nucleotide variant.
Coding change: c.930C>T on transcript NM_001029896.2 (MANE Select); coding-DNA position 930, C replaced by T.
Protein change: p.Cys310=; no amino-acid change (cysteine 310 retained).
Molecular consequence: synonymous variant.
Genome position (GRCh38, 1-based): chrX:49,075,179, G>A on the plus strand (C>T on the coding strand, the complement: WDR45 is on the minus strand). VCF-style: chrX-49075179-G-A. GRCh37 (hg19) VCF-style: chrX-48932838-G-A.
Other names: c.933C>T, p.Cys311= (NM_007075.4).
Identifiers: ClinVar variation 389772 (VCV000389772.10), dbSNP rs1057523535, ClinGen allele CA16608879.

ClinVar aggregate classification (germline): Likely benign. Review status: criteria provided, multiple submitters, no conflicts (2 of 4 stars). 3 submissions from 3 submitters: Likely benign (3). Last evaluated 2025-11-11.

Conditions:
Neurodegeneration with brain iron accumulation 5 (NBIA5). Also called: Beta-propeller protein-associated neurodegeneration; STATIC ENCEPHALOPATHY OF CHILDHOOD WITH NEURODEGENERATION IN ADULTHOOD. Identifiers: Orphanet 329284, MedGen C3550973, MONDO:0010476, OMIM 300894.

Allele frequency attached by ClinVar (database versions not stated): gnomAD 0.00003; gnomAD exomes 0.00004; TOPMed 0.00001.
gnomAD v4.1: 41 of 1,211,217 alleles (0.0034%); highest among the groups gnomAD compares: Non-Finnish European, 0.0044%; no homozygotes.

Submissions (3):

Labcorp Genetics (formerly Invitae), Labcorp
Classification: Likely benign for Neurodegeneration with brain iron accumulation 5. Last evaluated: 2025-11-11. Review status: criteria provided, single submitter. Criteria: Invitae Variant Classification Sherloc (09022015). Collection method: clinical testing. Allele origin: germline.

CeGaT Center for Human Genetics Tuebingen
Classification: Likely benign. Last evaluated: 2025-04-01. Review status: criteria provided, single submitter. Criteria: CeGaT Center For Human Genetics Tuebingen Variant Classification Criteria Version 2. Collection method: clinical testing. Allele origin: germline. Affected: yes. Observed: 1 variant allele.
Comment: WDR45: BP4, BP7, BS2

GeneDx
Classification: Likely benign. Last evaluated: 2016-09-30. Review status: criteria provided, single submitter. Criteria: GeneDx Variant Classification (06012015). Collection method: clinical testing. Allele origin: germline. Affected: yes.
Comment: This variant is considered likely benign or benign based on one or more of the following criteria: it is a conservative change, it occurs at a poorly conserved position in the protein, it is predicted to be benign by multiple in silico algorithms, and/or has population frequency not consistent with disease.